The following is an entry in ClinVar:

ClinVar aggregate classification (germline): Pathogenic. Review status: reviewed by expert panel (3 of 4 stars). 2 submissions from 2 submitters: Pathogenic (1). 1 of the submissions does not count toward it. Last evaluated 2023-08-04.

Conditions:
CDH1-related diffuse gastric and lobular breast cancer syndrome. Also called: CDH1-related diffuse gastric and lobular breast cancer. Identifiers: MedGen CN311521, MONDO:0100488.
Hereditary diffuse gastric adenocarcinoma (HDGC). Also called: DIFFUSE GASTRIC AND LOBULAR BREAST CANCER SYNDROME. Identifiers: Orphanet 26106, MedGen C1708349, MONDO:0007648, OMIM 137215.

Submissions (2):

Clingen Gastric Cancer Variant Curation Expert Panel
Classification: Pathogenic for CDH1-related diffuse gastric and lobular breast cancer syndrome. Last evaluated: 2023-08-04. Review status: reviewed by expert panel. Criteria: ClinGen CDH1 ACMG Specifications V3.1. Collection method: curation. Allele origin: germline. Inheritance: Autosomal dominant inheritance.
Comment: The c.793G>T (p.Glu265Ter) variant is predicted to result in a premature stop codon that leads to nonsense mediate decay (PVS1 and PM5_supporting). The variant is absent in the gnomAD cohort (PM2_supporting). Therefore, this variant meets criteria to be classified as pathogenic based on the ACMG/AMP criteria applied as specified by the CDH1 Variant Curation Expert Panel (CDH1 VCEP specifications version 3.1): PVS1, PM2_supporting, PM5_supporting.

Labcorp Genetics (formerly Invitae), Labcorp
Classification: Pathogenic for Hereditary diffuse gastric adenocarcinoma. Last evaluated: 2017-04-05. Review status: criteria provided, single submitter. Criteria: Invitae Variant Classification Sherloc (09022015). Collection method: clinical testing. Allele origin: germline. Not counted in ClinVar's aggregate classification.
Comment: For these reasons, this variant has been classified as Pathogenic. While this particular variant has not been reported in the literature, loss-of-function variants in CDH1 are known to be pathogenic (PMID: 15235021, 20373070). This sequence change creates a premature translational stop signal at codon 265 (p.Glu265*) of the CDH1 gene. It is expected to result in an absent or disrupted protein product.

Literature cited by the submitters: PubMed 15235021 (cited by Labcorp Genetics (formerly Invitae), Labcorp); PubMed 20373070 (cited by Labcorp Genetics (formerly Invitae), Labcorp).

NM_004360.5(CDH1):c.793G>T (p.Glu265Ter)

Gene: CDH1 (cadherin 1; plus strand). Cytogenetic location: 16q22.1.
Variant type: single nucleotide variant.
Coding change: c.793G>T on transcript NM_004360.5 (MANE Select); coding-DNA position 793, G replaced by T.
Protein change: p.Glu265Ter; replaces glutamic acid 265 with a stop codon.
Molecular consequence: nonsense. On other transcripts: 5 prime UTR variant (2).
Genome position (GRCh38, 1-based): chr16:68,810,302, G>T. VCF-style: chr16-68810302-G-T. GRCh37 (hg19) VCF-style: chr16-68844205-G-T.
Other names: c.793G>T (LRG_301t1); c.793G>T, p.Glu265Ter (NM_001317184.2); c.-823G>T (NM_001317185.2); c.-1027G>T (NM_001317186.2); short protein forms E265*.
Identifiers: ClinVar variation 406633 (VCV000406633.13), dbSNP rs876659503, ClinGen allele CA16615233.